The following is an entry in ClinVar:

ClinVar aggregate classification (germline): Uncertain significance (1 of 4 stars; one submission).

Submission:

Labcorp Genetics (formerly Invitae), Labcorp
Classification: Uncertain significance. Last evaluated: 2019-10-01. Review status: criteria provided, single submitter. Criteria: Invitae Variant Classification Sherloc (09022015). Collection method: clinical testing. Allele origin: germline.
Comment: This variant has not been reported in the literature in individuals with ANLN-related conditions. In summary, the available evidence is currently insufficient to determine the role of this variant in disease. Therefore, it has been classified as a Variant of Uncertain Significance. Algorithms developed to predict the effect of missense changes on protein structure and function are either unavailable or do not agree on the potential impact of this missense change (SIFT: "Deleterious"; PolyPhen-2: "Probably Damaging"; Align-GVGD: "Class C0"). This variant is not present in population databases (ExAC no frequency). This sequence change replaces lysine with glutamine at codon 1026 of the ANLN protein (p.Lys1026Gln). The lysine residue is highly conserved and there is a small physicochemical difference between lysine and glutamine.

NM_018685.5(ANLN):c.3076A>C (p.Lys1026Gln)

Gene: ANLN (anillin, actin binding protein; plus strand). Cytogenetic location: 7p14.2.
Variant type: single nucleotide variant.
Coding change: c.3076A>C on transcript NM_018685.5 (MANE Select); coding-DNA position 3076, A replaced by C.
Protein change: p.Lys1026Gln; replaces lysine 1026 with glutamine.
Molecular consequence: missense variant.
Genome position (GRCh38, 1-based): chr7:36,443,860, A>C. VCF-style: chr7-36443860-A-C. GRCh37 (hg19) VCF-style: chr7-36483469-A-C.
Other names: c.2965A>C, p.Lys989Gln (NM_001284301.3); c.2962A>C, p.Lys988Gln (NM_001284302.3); short protein forms K1026Q, K988Q, K989Q.
Identifiers: ClinVar variation 933907 (VCV000933907.9), dbSNP rs1788880182, ClinGen allele CA367199029.
Genomic context (GRCh38, chr7:36,443,860, plus strand): 5'-TGGTGTGTTCTTTCTGGAAACTGTATATCTTATTGGACTTATCCAGATGATGAGAAACGC[A>C]AGGTAATTTATATAGTACTGTTTAGTGGTGAAAGCCCTGATTGACTTTCGTGTAGTGTTC-3'
Protein context (NP_061155.2, residues 1016-1036): YWTYPDDEKR[Lys1026Gln]NPIGRINLAN